The following is an entry in ClinVar:

ClinVar aggregate classification (germline): Uncertain significance (1 of 4 stars; one submission).

Conditions:
Meier-Gorlin syndrome 3 (MGORS3). Identifiers: Orphanet 2554, MedGen C3151113, MONDO:0013430, OMIM 613803.

gnomAD v4.1: 24 of 1,598,332 alleles (0.0015%); highest among the groups gnomAD compares: East Asian, 0.018%; no homozygotes.

Submission:

Juno Genomics, Hangzhou Juno Genomics, Inc
Classification: Uncertain significance for Meier-Gorlin syndrome 3. Review status: criteria provided, single submitter. Criteria: ACMG Guidelines, 2015. Collection method: clinical testing. Allele origin: germline.
Comment: Absent from controls (or at extremely low frequency if recessive) in Genome Aggregation Database.;Multiple lines of computational evidence support a deleterious effect on the gene or gene product.

NM_014321.4(ORC6):c.362A>G (p.Tyr121Cys)

Gene: ORC6 (origin recognition complex subunit 6; plus strand). Cytogenetic location: 16q11.2.
Variant type: single nucleotide variant.
Coding change: c.362A>G on transcript NM_014321.4 (MANE Select); coding-DNA position 362, A replaced by G.
Protein change: p.Tyr121Cys; replaces tyrosine 121 with cysteine.
Molecular consequence: missense variant. On other transcripts: non-coding transcript variant (1).
Genome position (GRCh38, 1-based): chr16:46,693,095, A>G. VCF-style: chr16-46693095-A-G. GRCh37 (hg19) VCF-style: chr16-46727007-A-G.
Other names: short protein forms Y121C.
Identifiers: ClinVar variation 5005586 (VCV005005586.2).
Genomic context (GRCh38, chr16:46,693,095, plus strand): 5'-CAGTCTCTTTTCAAATAATATTTTCTAACAGATAATTCTGCAATAACTTCTCCTTTAGCT[A>G]TGAGTCCAGTCTTCCCCAGACACAGCAAGTGGATCTTGACTTATCCAGGCCACTTTTCAC-3'
Protein context (NP_055136.1, residues 111-131): VNMASKILKS[Tyr121Cys]ESSLPQTQQV